The following is an entry in ClinVar:

NM_001348716.2(KDM6B):c.2834C>T (p.Ala945Val)

Gene: KDM6B (lysine demethylase 6B; plus strand). Cytogenetic location: 17p13.1.
Variant type: single nucleotide variant.
Coding change: c.2834C>T on transcript NM_001348716.2 (MANE Select); coding-DNA position 2834, C replaced by T.
Protein change: p.Ala945Val; replaces alanine 945 with valine.
Molecular consequence: missense variant.
Genome position (GRCh38, 1-based): chr17:7,849,122, C>T. VCF-style: chr17-7849122-C-T. GRCh37 (hg19) VCF-style: chr17-7752440-C-T.
Other names: c.2834C>T, p.Ala945Val (NM_001080424.2); short protein forms A945V.
Identifiers: ClinVar variation 2369201 (VCV002369201.7), dbSNP rs761970358, ClinGen allele CA8361016.

ClinVar aggregate classification (germline): Likely benign. Review status: criteria provided, multiple submitters, no conflicts (2 of 4 stars). 2 submissions from 2 submitters: Likely benign (2). Last evaluated 2025-12-01.

Conditions:
Inborn genetic diseases. Identifiers: MedGen C0950123, MeSH D030342.

Allele frequency attached by ClinVar (database versions not stated): ExAC 0.00002; TOPMed 0.00002; gnomAD 0.00003; gnomAD exomes 0.00005.
gnomAD v4.1: 76 of 1,612,284 alleles (0.0047%); highest among the groups gnomAD compares: Non-Finnish European, 0.0058%; no homozygotes.

Submissions (2):

CeGaT Center for Human Genetics Tuebingen
Classification: Likely benign. Last evaluated: 2025-12-01. Review status: criteria provided, single submitter. Criteria: CeGaT Center For Human Genetics Tuebingen Variant Classification Criteria Version 2. Collection method: clinical testing. Allele origin: germline. Affected: yes. Observed: 2 variant alleles.
Comment: KDM6B: BP4

Ambry Genetics
Classification: Likely benign for Inborn genetic diseases. Last evaluated: 2021-08-10. Review status: criteria provided, single submitter. Criteria: Ambry Variant Classification Scheme 2023. Collection method: clinical testing. Allele origin: germline.